The following is an entry in ClinVar:

ClinVar aggregate classification (germline): Likely benign (0 of 4 stars; one submission).

Conditions:
NCOR2-related disorder. Also called: NCOR2-related condition.

Allele frequency attached by ClinVar (database versions not stated): TOPMed 0.00003; gnomAD exomes 0.00004; gnomAD 0.00007; ExAC 0.00014; 1000 Genomes Project 30x 0.00016; 1000 Genomes Project 0.00020.
gnomAD v4.1: 75 of 1,566,414 alleles (0.0048%); highest among the groups gnomAD compares: South Asian, 0.051%; 1 homozygote.

Submission:

PreventionGenetics, part of Exact Sciences
Classification: Likely benign for NCOR2-related condition. Last evaluated: 2019-04-18. Review status: no assertion criteria provided. Collection method: clinical testing. Allele origin: germline.
Comment: This variant is classified as likely benign based on ACMG/AMP sequence variant interpretation guidelines (Richards et al. 2015 PMID: 25741868, with internal and published modifications).

NM_006312.6(NCOR2):c.3576G>A (p.Ala1192=)

Gene: NCOR2 (nuclear receptor corepressor 2; minus strand). Cytogenetic location: 12q24.31.
Variant type: single nucleotide variant.
Coding change: c.3576G>A on transcript NM_006312.6 (MANE Select); coding-DNA position 3576, G replaced by A.
Protein change: p.Ala1192=; no amino-acid change (alanine 1192 retained).
Molecular consequence: synonymous variant.
Genome position (GRCh38, 1-based): chr12:124,354,491, C>T on the plus strand (G>A on the coding strand, the complement: NCOR2 is on the minus strand). VCF-style: chr12-124354491-C-T. GRCh37 (hg19) VCF-style: chr12-124839037-C-T.
Other names: c.3546G>A, p.Ala1182= (NM_001077261.4, NM_001206654.2).
Identifiers: ClinVar variation 3058293 (VCV003058293.2), dbSNP rs533216923, ClinGen allele CA6868608.